The following is an entry in ClinVar:

NM_130443.4(DPP3):c.573+1G>A

Gene: DPP3 (dipeptidyl peptidase 3; plus strand). Cytogenetic location: 11q13.2.
Variant type: single nucleotide variant.
Coding change: c.573+1G>A on transcript NM_130443.4 (MANE Select); the canonical splice donor site of the intron after coding-DNA position 573, G replaced by A.
Molecular consequence: splice donor variant.
Genome position (GRCh38, 1-based): chr11:66,487,343, G>A. VCF-style: chr11-66487343-G-A. GRCh37 (hg19) VCF-style: chr11-66254814-G-A.
Other names: c.573+1G>A (NM_005700.5); c.483+1G>A (NM_001256670.2).
Identifiers: ClinVar variation 432349 (VCV000432349.2), dbSNP rs1555041476, ClinGen allele CA381436974.

ClinVar aggregate classification (germline): Uncertain significance (1 of 4 stars; one submission).

Submission:

GeneDx
Classification: Uncertain significance. Last evaluated: 2017-06-02. Review status: criteria provided, single submitter. Criteria: GeneDx Variant Classification (06012015). Collection method: clinical testing. Allele origin: germline. Affected: yes.
Comment: The c.573+1G>A variant in the DPP3 gene has not been reported previously as a pathogenic variant nor as a benign variant, to our knowledge. This splice site variant destroys the canonical splice donor site in intron 5. It is predicted to cause abnormal gene splicing, either leading to an abnormal message that is subject to nonsense-mediated mRNA decay, or to an abnormal protein product if the message is used for protein translation. The c.573+1G>A variant is not observed in large population cohorts (Lek et al., 2016; 1000 Genomes Consortium et al., 2015; Exome Variant Server). We interpret c.573+1G>A as a variant of uncertain significance.